The following is an entry in ClinVar:

ClinVar aggregate classification (germline): Uncertain significance (1 of 4 stars; one submission).

Conditions:
Congenital disorder of glycosylation type Ir (CDG1R). Also called: DDOST-congenital disorder of glycosylation. Identifiers: Orphanet 300536, MedGen C3281084, MONDO:0013789, OMIM 614507.

Allele frequency attached by ClinVar (database versions not stated): gnomAD exomes below 0.00001.
gnomAD v4.1: 2 of 1,599,772 alleles (0.00013%); highest among the groups gnomAD compares: Middle Eastern, 0.017%; no homozygotes.

Submission:

Labcorp Genetics (formerly Invitae), Labcorp
Classification: Uncertain significance for Congenital disorder of glycosylation type Ir. Last evaluated: 2022-11-01. Review status: criteria provided, single submitter. Criteria: Invitae Variant Classification Sherloc (09022015). Collection method: clinical testing. Allele origin: germline.
Comment: Algorithms developed to predict the effect of missense changes on protein structure and function are either unavailable or do not agree on the potential impact of this missense change (SIFT: "Deleterious"; PolyPhen-2: "Probably Damaging"; Align-GVGD: "Class C0"). This variant has not been reported in the literature in individuals affected with DDOST-related conditions. This variant is present in population databases (no rsID available, gnomAD 0.006%). This sequence change replaces proline, which is neutral and non-polar, with leucine, which is neutral and non-polar, at codon 102 of the DDOST protein (p.Pro102Leu). In summary, the available evidence is currently insufficient to determine the role of this variant in disease. Therefore, it has been classified as a Variant of Uncertain Significance.

NM_005216.5(DDOST):c.254C>T (p.Pro85Leu)

Gene: DDOST (dolichyl-diphosphooligosaccharide--protein glycosyltransferase non-catalytic subunit; minus strand). Cytogenetic location: 1p36.12.
Variant type: single nucleotide variant.
Coding change: c.254C>T on transcript NM_005216.5 (MANE Select); coding-DNA position 254, C replaced by T.
Protein change: p.Pro85Leu; replaces proline 85 with leucine.
Molecular consequence: missense variant.
Genome position (GRCh38, 1-based): chr1:20,660,892, G>A on the plus strand (C>T on the coding strand, the complement: DDOST is on the minus strand). VCF-style: chr1-20660892-G-A. GRCh37 (hg19) VCF-style: chr1-20987385-G-A.
Other names: short protein forms P85L.
Identifiers: ClinVar variation 2916057 (VCV002916057.3), dbSNP rs1157978750, ClinGen allele CA338855500.